The following is an entry in ClinVar:

NM_002206.3(ITGA7):c.2946C>T (p.Ser982=)

Gene: ITGA7 (integrin subunit alpha 7; minus strand). Cytogenetic location: 12q13.2.
Variant type: single nucleotide variant.
Coding change: c.2946C>T on transcript NM_002206.3 (MANE Select); coding-DNA position 2946, C replaced by T.
Protein change: p.Ser982=; no amino-acid change (serine 982 retained).
Molecular consequence: synonymous variant.
Genome position (GRCh38, 1-based): chr12:55,688,856, G>A on the plus strand (C>T on the coding strand, the complement: ITGA7 is on the minus strand). VCF-style: chr12-55688856-G-A. GRCh37 (hg19) VCF-style: chr12-56082640-G-A.
Other names: c.2607C>T, p.Ser869= (NM_001414035.1); c.2721C>T, p.Ser907= (NM_001414034.1); c.2763C>T, p.Ser921= (NM_001414033.1); c.2826C>T, p.Ser942= (NM_001414032.1); c.2859C>T, p.Ser953= (NM_001414031.1); c.2871C>T, p.Ser957= (NM_001414030.1); c.2940C>T, p.Ser980= (NM_001414029.1); c.3078C>T, p.Ser1026= (NM_001410977.1); and 5 more.
Identifiers: ClinVar variation 509058 (VCV000509058.1), dbSNP rs1555158844, ClinGen allele CA480143860.
Genomic context (GRCh38, chr12:55,688,856, plus strand): 5'-GCTTTGGAGGAAGAAGAAACACAGACTAGAGCCGAGTGGTATCCTCACCTCCAGAAAGGT[G>A]CTGTTCCAGAGACGGCCCCAGACATGCAGCACAGCCGCGCGGTCAAAGCTGTAGAGTGGG-3'
Protein context (NP_002197.2, residues 972-992): VLHVWGRLWN[Ser982=]TFLEEYSAVK

ClinVar aggregate classification (germline): Likely benign (1 of 4 stars; one submission).

Submission:

GeneDx
Classification: Likely benign. Last evaluated: 2017-04-21. Review status: criteria provided, single submitter. Criteria: GeneDx Variant Classification (06012015). Collection method: clinical testing. Allele origin: germline. Affected: yes.
Comment: This variant is considered likely benign or benign based on one or more of the following criteria: it is a conservative change, it occurs at a poorly conserved position in the protein, it is predicted to be benign by multiple in silico algorithms, and/or has population frequency not consistent with disease.